The following is an entry in ClinVar:

ClinVar aggregate classification (germline): Conflicting classifications of pathogenicity. Review status: criteria provided, conflicting classifications (1 of 4 stars). 5 submissions from 5 submitters: Likely pathogenic (2); Uncertain significance (2). 1 of the submissions does not count toward it. Last evaluated 2024-09-11.

Conditions:
Inborn genetic diseases. Identifiers: MedGen C0950123, MeSH D030342.
Microcephaly with or without chorioretinopathy, lymphedema, or impaired intellectual development. Also called: Microcephaly lymphedema chorioretinal dysplasia; MICROCEPHALY, LYMPHEDEMA, CHORIORETINAL DYSPLASIA SYNDROME; MICROCEPHALY AND CHORIORETINOPATHY WITH OR WITHOUT MENTAL RETARDATION, AUTOSOMAL DOMINANT; Microcephaly with or without chorioretinopathy, lymphedema, or mental retardation; Microcephaly with or without chorioretinopathy, lymphedema, or intellectual disability. Identifiers: Orphanet 2526, MedGen C1835265, MONDO:0007918, OMIM 152950.

Submissions (5):

Revvity Omics, Revvity
Classification: Uncertain significance for Microcephaly with or without chorioretinopathy, lymphedema, or impaired intellectual development. Last evaluated: 2024-09-11. Review status: criteria provided, single submitter. Criteria: ACMG Guidelines, 2015. Collection method: clinical testing. Allele origin: germline.

Labcorp Genetics (formerly Invitae), Labcorp
Classification: Likely pathogenic. Last evaluated: 2024-05-20. Review status: criteria provided, single submitter. Criteria: Invitae Variant Classification Sherloc (09022015). Collection method: clinical testing. Allele origin: germline.
Comment: This sequence change replaces arginine, which is basic and polar, with cysteine, which is neutral and slightly polar, at codon 944 of the KIF11 protein (p.Arg944Cys). This variant is not present in population databases (gnomAD no frequency). This missense change has been observed in individual(s) with KIF11-related conditions (PMID: 22284827, 35456519; Invitae). In at least one individual the variant was observed to be de novo. ClinVar contains an entry for this variant (Variation ID: 29770). Advanced modeling of protein sequence and biophysical properties (such as structural, functional, and spatial information, amino acid conservation, physicochemical variation, residue mobility, and thermodynamic stability) has been performed at Invitae for this missense variant, however the output from this modeling did not meet the statistical confidence thresholds required to predict the impact of this variant on KIF11 protein function. In summary, the currently available evidence indicates that the variant is pathogenic, but additional data are needed to prove that conclusively. Therefore, this variant has been classified as Likely Pathogenic.

Institute of Medical Genetics and Applied Genomics, University Hospital Tübingen
Classification: Likely pathogenic. Last evaluated: 2020-10-23. Review status: criteria provided, single submitter. Criteria: ACMG Guidelines, 2015. Collection method: clinical testing. Allele origin: germline. Inheritance: Unknown mechanism. Affected: yes.

Ambry Genetics
Classification: Uncertain significance for Inborn genetic diseases. Last evaluated: 2017-07-31. Review status: criteria provided, single submitter. Criteria: Ambry exome assertion method (8-5-2015). Collection method: clinical testing. Allele origin: germline. Affected: yes. Observed: 1 variant allele.

OMIM
Classification: Pathogenic for MICROCEPHALY WITH OR WITHOUT CHORIORETINOPATHY, LYMPHEDEMA, OR IMPAIRED INTELLECTUAL DEVELOPMENT. Last evaluated: 2012-02-10. Review status: no assertion criteria provided. Collection method: literature only. Allele origin: germline. Not counted in ClinVar's aggregate classification.

Literature cited by the submitters: PubMed 22284827 (cited by 3 submitters); PubMed 35456519 (cited by Labcorp Genetics (formerly Invitae), Labcorp); PubMed 25934493 (cited by Ambry Genetics); PubMed 15930898 (cited by OMIM).

NM_004523.4(KIF11):c.2830C>T (p.Arg944Cys)

Gene: KIF11 (kinesin family member 11; plus strand). Cytogenetic location: 10q23.33.
Variant type: single nucleotide variant.
Coding change: c.2830C>T on transcript NM_004523.4 (MANE Select); coding-DNA position 2830, C replaced by T.
Protein change: p.Arg944Cys; replaces arginine 944 with cysteine.
Molecular consequence: missense variant.
Genome position (GRCh38, 1-based): chr10:92,649,894, C>T. VCF-style: chr10-92649894-C-T. GRCh37 (hg19) VCF-style: chr10-94409651-C-T.
Other names: short protein forms R944C.
Identifiers: ClinVar variation 29770 (VCV000029770.15), dbSNP rs387906642, ClinGen allele CA128631.